The following is an entry in ClinVar:

NM_018714.3(COG1):c.1175A>G (p.Asn392Ser)

Genes: COG1 (component of oligomeric golgi complex 1; plus strand), LOC126862634 (CDK7 strongly-dependent group 2 enhancer GRCh37_chr17:71195948-71197147; plus strand). Cytogenetic location: 17q25.1.
Variant type: single nucleotide variant.
Coding change: c.1175A>G on transcript NM_018714.3 (MANE Select); coding-DNA position 1175, A replaced by G.
Protein change: p.Asn392Ser; replaces asparagine 392 with serine.
Molecular consequence: missense variant.
Genome position (GRCh38, 1-based): chr17:73,200,670, A>G. VCF-style: chr17-73200670-A-G. GRCh37 (hg19) VCF-style: chr17-71196809-A-G.
Other names: short protein forms N392S.
Identifiers: ClinVar variation 95911 (VCV000095911.21), dbSNP rs1026128, ClinGen allele CA149028.

ClinVar aggregate classification (germline): Benign. Review status: criteria provided, multiple submitters, no conflicts (2 of 4 stars). 7 submissions from 7 submitters: Benign (7). Last evaluated 2026-02-04.

Conditions:
COG1 congenital disorder of glycosylation (CDG2G). Also called: CONGENITAL DISORDER OF GLYCOSYLATION, TYPE IIg; CDG IIg; CDGII/COG1 CEREBROCOSTOMANDIBULAR-LIKE SYNDROME. Identifiers: Orphanet 263508, MedGen C2931011, MONDO:0012637, OMIM 611209.

Allele frequency attached by ClinVar (database versions not stated): gnomAD 0.50958; 1000 Genomes Project 30x 0.51608; ExAC 0.52312; TOPMed 0.51997; ESP Exome Variant Server 0.53214; 1000 Genomes Project 0.52097; gnomAD exomes 0.52263.
gnomAD v4.1: 852,295 of 1,613,786 alleles (53%); highest among the groups gnomAD compares: East Asian, 62%; 226,214 homozygotes.

Submissions (7):

Labcorp Genetics (formerly Invitae), Labcorp
Classification: Benign for COG1 congenital disorder of glycosylation. Last evaluated: 2026-02-04. Review status: criteria provided, single submitter. Criteria: Invitae Variant Classification Sherloc (09022015). Collection method: clinical testing. Allele origin: germline.

Genome-Nilou Lab
Classification: Benign for COG1 congenital disorder of glycosylation. Last evaluated: 2021-07-22. Review status: criteria provided, single submitter. Criteria: ACMG Guidelines, 2015. Collection method: clinical testing. Allele origin: germline. Affected: no.

GeneDx
Classification: Benign. Last evaluated: 2018-06-14. Review status: criteria provided, single submitter. Criteria: GeneDx Variant Classification (06012015). Collection method: clinical testing. Allele origin: germline. Affected: yes.
Comment: This variant is considered likely benign or benign based on one or more of the following criteria: it is a conservative change, it occurs at a poorly conserved position in the protein, it is predicted to be benign by multiple in silico algorithms, and/or has population frequency not consistent with disease.

Illumina Laboratory Services, Illumina
Classification: Benign for COG1 congenital disorder of glycosylation. Last evaluated: 2018-01-13. Review status: criteria provided, single submitter. Criteria: ICSL Variant Classification Criteria 13 December 2019. Collection method: clinical testing. Allele origin: germline.
Comment: This variant was observed in the ICSL laboratory as part of a predisposition screen in an ostensibly healthy population. It had not been previously curated by ICSL or reported in the Human Gene Mutation Database (HGMD: prior to June 1st, 2018), and was therefore a candidate for classification through an automated scoring system. Utilizing variant allele frequency, disease prevalence and penetrance estimates, and inheritance mode, an automated score was calculated to assess if this variant is too frequent to cause the disease. Based on the score and internal cut-off values, a variant classified as benign is not then subjected to further curation. The score for this variant resulted in a classification of benign for this disease.

Mayo Clinic Laboratories, Mayo Clinic
Classification: Benign. Last evaluated: 2017-11-20. Review status: criteria provided, single submitter. Criteria: ACMG Guidelines, 2015. Collection method: clinical testing. Allele origin: germline. Observed: 31 variant alleles.

Eurofins Ntd Llc (ga)
Classification: Benign. Last evaluated: 2012-07-25. Review status: criteria provided, single submitter. Criteria: EGL Classification Definitions 2015. Collection method: clinical testing. Allele origin: germline. Observed: 16 variant alleles, 3 heterozygotes, 13 homozygotes.

Breakthrough Genomics
Classification: Benign. Review status: criteria provided, single submitter. Criteria: ACMG Guidelines, 2015. Collection method: not provided. Allele origin: germline. Inheritance: Autosomal recessive inheritance. Affected: yes.